The following is an entry in ClinVar:

ClinVar aggregate classification (germline): Uncertain significance (1 of 4 stars; one submission).

Conditions:
Hereditary cancer-predisposing syndrome. Also called: Tumor predisposition; Hereditary Cancer Syndrome; Hereditary neoplastic syndrome; Neoplastic Syndromes, Hereditary. Identifiers: Orphanet 140162, MedGen C0027672, MeSH D009386, MONDO:0015356.

gnomAD v4.1: 1 of 1,613,954 alleles (0.000062%); no homozygotes.

Submission:

Ambry Genetics
Classification: Uncertain significance for Hereditary cancer-predisposing syndrome. Last evaluated: 2025-11-02. Review status: criteria provided, single submitter. Criteria: Ambry Variant Classification Scheme 2023. Collection method: clinical testing. Allele origin: germline.
Comment: The p.G1006E variant (also known as c.3017G>A), located in coding exon 21 of the TSC1 gene, results from a G to A substitution at nucleotide position 3017. The glycine at codon 1006 is replaced by glutamic acid, an amino acid with similar properties. This amino acid position is conserved. In addition, the in silico prediction for this alteration is inconclusive. Based on the available evidence, the clinical significance of this variant remains unclear.

NM_000368.5(TSC1):c.3017G>A (p.Gly1006Glu)

Gene: TSC1 (TSC complex subunit 1; minus strand). Cytogenetic location: 9q34.13.
Variant type: single nucleotide variant.
Coding change: c.3017G>A on transcript NM_000368.5 (MANE Select); coding-DNA position 3017, G replaced by A.
Protein change: p.Gly1006Glu; replaces glycine 1006 with glutamic acid.
Molecular consequence: missense variant. On other transcripts: non-coding transcript variant (5).
Genome position (GRCh38, 1-based): chr9:132,896,713, C>T on the plus strand (G>A on the coding strand, the complement: TSC1 is on the minus strand). VCF-style: chr9-132896713-C-T. GRCh37 (hg19) VCF-style: chr9-135772100-C-T.
Other names: c.2609G>A, p.Gly870Glu (NM_001406625.1); c.2066G>A, p.Gly689Glu (NM_001406626.1); c.2063G>A, p.Gly688Glu (NM_001406627.1, NM_001406628.1); c.1964G>A, p.Gly655Glu (NM_001406629.1, NM_001406630.1); c.3014G>A, p.Gly1005Glu (NM_001162426.2, NM_001406597.1, NM_001406598.1 and 2 more transcripts); c.2864G>A, p.Gly955Glu (NM_001162427.2, NM_001406610.1); c.2654G>A, p.Gly885Glu (NM_001362177.2, NM_001406614.1, NM_001406615.1 and 4 more transcripts); c.3017G>A, p.Gly1006Glu (NM_001406592.1, NM_001406593.1, NM_001406594.1 and 2 more transcripts); and 8 more; short protein forms G1000E, G884E, G992E, G689E, G870E, G940E, G991E, G1005E.
Identifiers: ClinVar variation 4554399 (VCV004554399.1).